The following is an entry in ClinVar:

NM_005562.3(LAMC2):c.2281del (p.Ala761fs)

Gene: LAMC2 (laminin subunit gamma 2; plus strand). Cytogenetic location: 1q25.3.
Variant type: Deletion.
Coding change: c.2281del on transcript NM_005562.3 (MANE Select); coding-DNA position 2281, one base deleted (G; older notation c.2281delG).
Protein change: p.Ala761fs; shifts the reading frame from alanine 761.
Molecular consequence: frameshift variant.
Genome position (GRCh38, 1-based): chr1:183,234,427, G deleted; the last of 2 consecutive G bases (chr1:183,234,426-183,234,427); deleting either gives the same sequence. VCF-style (leftmost placement, unchanged base first): chr1-183234425-AG-A. GRCh37 (hg19) VCF-style: chr1-183203560-AG-A.
Other names: c.2281del, p.Ala761fs (NM_018891.3); short protein forms A761fs.
Identifiers: ClinVar variation 3574600 (VCV003574600.2).

ClinVar aggregate classification (germline): Pathogenic/Likely pathogenic. Review status: criteria provided, multiple submitters, no conflicts (2 of 4 stars). 2 submissions from 2 submitters: Pathogenic (1); Likely pathogenic (1). Last evaluated 2024-08-24.

Conditions:
Epidermolysis bullosa, junctional 3B, severe. Also called: EPIDERMOLYSIS BULLOSA, JUNCTIONAL 3B, HERLITZ TYPE; EPIDERMOLYSIS BULLOSA, JUNCTIONAL 3B, GENERALIZED SEVERE. Identifiers: MedGen C5676939, MONDO:0030749, OMIM 619786.
Epidermolysis bullosa, junctional 3A, intermediate. Also called: EPIDERMOLYSIS BULLOSA, JUNCTIONAL 3A, GENERALIZED INTERMEDIATE; EPIDERMOLYSIS BULLOSA, JUNCTIONAL 3A, NON-HERLITZ TYPE. Identifiers: MedGen C5676938, MONDO:0030748, OMIM 619785.
Junctional epidermolysis bullosa. Identifiers: Orphanet 305, MedGen C0079301, MONDO:0017612.

Submissions (2):

Myriad Genetics, Inc.
Classification: Pathogenic for Junctional epidermolysis bullosa. Last evaluated: 2024-08-24. Review status: criteria provided, single submitter. Criteria: Myriad Autosomal Dominant, Autosomal Recessive and X-Linked Classification Criteria (2023). Collection method: clinical testing. Allele origin: unknown.
Comment: NM_005562.2(LAMC2):c.2281delG(A761Pfs*4) is expected to be pathogenic in the context of junctional epidermolysis bullosa, LAMC2-related. This variant is predicted to lead to an abnormal or absent protein product due to the creation of a premature termination codon in LAMC2, a gene where loss-of-function variants are known to be pathogenic. Please note: this variant was assessed in the context of healthy population screening.

Fulgent Genetics
Classification: Likely pathogenic for Epidermolysis bullosa, junctional 3A, intermediate; Epidermolysis bullosa, junctional 3B, severe. Last evaluated: 2024-05-04. Review status: criteria provided, single submitter. Criteria: ACMG Guidelines, 2015. Collection method: clinical testing. Allele origin: germline.